The following is an entry in ClinVar:

NM_000155.4(GALT):c.501G>A (p.Trp167Ter)

Gene: GALT (galactose-1-phosphate uridylyltransferase; plus strand). Cytogenetic location: 9p13.3.
Variant type: single nucleotide variant.
Coding change: c.501G>A on transcript NM_000155.4 (MANE Select); coding-DNA position 501, G replaced by A.
Protein change: p.Trp167Ter; replaces tryptophan 167 with a stop codon.
Molecular consequence: nonsense.
Genome position (GRCh38, 1-based): chr9:34,647,955, G>A. VCF-style: chr9-34647955-G-A. GRCh37 (hg19) VCF-style: chr9-34647952-G-A.
Other names: c.174G>A, p.Trp58Ter (NM_001258332.2); short protein forms W167*, W58*.
Identifiers: ClinVar variation 2839913 (VCV002839913.3), dbSNP rs1407860889, ClinGen allele CA373281161.
Genomic context (GRCh38, chr9:34,647,955, plus strand): 5'-CCGGGCTGTTGTTGATGCATGGGCCTCAGTCACAGAGGAGCTGGGTGCCCAGTACCCTTG[G>A]GTGCAGGTTTGTGAGGTCGCCCCTTCCCCTGGATGGGCAGGGAGGGGGTGATGAAGCTTT-3'

ClinVar aggregate classification (germline): Pathogenic (1 of 4 stars; one submission).

Conditions:
Deficiency of UDPglucose-hexose-1-phosphate uridylyltransferase. Also called: GALT deficiency; Galactosemia, classic; GALACTOSE-1-PHOSPHATE URIDYLYLTRANSFERASE DEFICIENCY; Transferase Deficiency Galactosemia; GALACTOSEMIA I. Identifiers: Orphanet 352, Orphanet 79239, MedGen C0268151, MONDO:0009258, OMIM 230400.

gnomAD v4.1: 1 of 1,614,204 alleles (0.000062%); highest among the groups gnomAD compares: Non-Finnish European, 0.000085%; no homozygotes.

Submission:

Labcorp Genetics (formerly Invitae), Labcorp
Classification: Pathogenic for Deficiency of UDPglucose-hexose-1-phosphate uridylyltransferase. Last evaluated: 2023-02-22. Review status: criteria provided, single submitter. Criteria: Invitae Variant Classification Sherloc (09022015). Collection method: clinical testing. Allele origin: germline.
Comment: This sequence change creates a premature translational stop signal (p.Trp167*) in the GALT gene. It is expected to result in an absent or disrupted protein product. Loss-of-function variants in GALT are known to be pathogenic (PMID: 22944367). For these reasons, this variant has been classified as Pathogenic. This variant has not been reported in the literature in individuals affected with GALT-related conditions. This variant is not present in population databases (gnomAD no frequency).

Literature cited by the submitters: PubMed 22944367.